The following is an entry in ClinVar:

ClinVar aggregate classification (germline): Benign/Likely benign. Review status: criteria provided, multiple submitters, no conflicts (2 of 4 stars). 5 submissions from 5 submitters: Benign (1); Likely benign (4). Last evaluated 2026-06-01.

Conditions:
Inborn genetic diseases. Identifiers: MedGen C0950123, MeSH D030342.

Allele frequency attached by ClinVar (database versions not stated): gnomAD exomes 0.00008 and 0.00024; ExAC 0.00009; 1000 Genomes Project 30x 0.00016; 1000 Genomes Project 0.00020; TOPMed 0.00046; gnomAD 0.00051 and 0.00052.
gnomAD v4.1: 187 of 1,608,482 alleles (0.012%); highest among the groups gnomAD compares: Admixed American, 0.25%; no homozygotes.

Submissions (5):

CeGaT Center for Human Genetics Tuebingen
Classification: Likely benign. Last evaluated: 2026-06-01. Review status: criteria provided, single submitter. Criteria: CeGaT Center For Human Genetics Tuebingen Variant Classification Criteria Version 2. Collection method: clinical testing. Allele origin: germline. Affected: yes. Observed: 1 variant allele.
Comment: ARID1B: BP4, BS1

Labcorp Genetics (formerly Invitae), Labcorp
Classification: Likely benign. Last evaluated: 2025-10-11. Review status: criteria provided, single submitter. Criteria: Invitae Variant Classification Sherloc (09022015). Collection method: clinical testing. Allele origin: germline.

Blueprint Genetics
Classification: Likely benign. Last evaluated: 2024-07-01. Review status: criteria provided, single submitter. Criteria: ACMG Guidelines, 2015. Collection method: clinical testing. Allele origin: germline.

Ambry Genetics
Classification: Likely benign for Inborn genetic diseases. Last evaluated: 2022-12-06. Review status: criteria provided, single submitter. Criteria: Ambry Variant Classification Scheme 2023. Collection method: clinical testing. Allele origin: germline.

GeneDx
Classification: Benign. Last evaluated: 2021-06-28. Review status: criteria provided, single submitter. Criteria: GeneDx Variant Classification Process June 2021. Collection method: clinical testing. Allele origin: germline. Affected: yes.

NM_001374828.1(ARID1B):c.3214G>A (p.Ala1072Thr)

Gene: ARID1B (AT-rich interaction domain 1B; plus strand). Cytogenetic location: 6q25.3.
Variant type: single nucleotide variant.
Coding change: c.3214G>A on transcript NM_001374828.1 (MANE Select); coding-DNA position 3214, G replaced by A.
Protein change: p.Ala1072Thr; replaces alanine 1072 with threonine.
Molecular consequence: missense variant.
Genome position (GRCh38, 1-based): chr6:157,167,164, G>A. VCF-style: chr6-157167164-G-A. GRCh37 (hg19) VCF-style: chr6-157488298-G-A.
Other names: c.715G>A, p.Ala239Thr (NM_001363725.2); c.3253G>A, p.Ala1085Thr (NM_001371656.1, NM_001374820.1); c.3214G>A, p.Ala1072Thr (NM_017519.3); c.3004G>A (NM_020732.3); short protein forms A1072T, A1085T, A239T.
Identifiers: ClinVar variation 1302202 (VCV001302202.13), dbSNP rs527731946, ClinGen allele CA4067232.